The following is an entry in ClinVar:

NM_002491.3(NDUFB3):c.-3+266T>C

Gene: NDUFB3 (NADH:ubiquinone oxidoreductase subunit B3; plus strand). Cytogenetic location: 2q33.1.
Variant type: single nucleotide variant.
Coding change: c.-3+266T>C on transcript NM_002491.3 (MANE Select); 266 bases into the intron after 3 bases upstream of the start codon, T replaced by C.
Molecular consequence: intron variant.
Genome position (GRCh38, 1-based): chr2:201,072,325, T>C. VCF-style: chr2-201072325-T-C. GRCh37 (hg19) VCF-style: chr2-201937048-T-C.
Other names: c.-25-14T>C (NM_001257102.2).
Identifiers: ClinVar variation 378249 (VCV000378249.1), dbSNP rs190804887, ClinGen allele CA16604335.

ClinVar aggregate classification (germline): Benign (1 of 4 stars; one submission).

Allele frequency attached by ClinVar (database versions not stated): 1000 Genomes Project 30x 0.00016; 1000 Genomes Project 0.00020; TOPMed 0.00094; gnomAD 0.00100 and 0.00102.

Submission:

GeneDx
Classification: Benign. Last evaluated: 2015-09-17. Review status: criteria provided, single submitter. Criteria: GeneDx Variant Classification (06012015). Collection method: clinical testing. Allele origin: germline. Affected: yes.
Comment: This variant is considered likely benign or benign based on one or more of the following criteria: it is a conservative change, it occurs at a poorly conserved position in the protein, it is predicted to be benign by multiple in silico algorithms, and/or has population frequency not consistent with disease.